The following is an entry in ClinVar:

ClinVar aggregate classification (germline): Uncertain significance (1 of 4 stars; one submission).

Conditions:
Hypertrophic cardiomyopathy 1 (CMH1). Also called: MYH7-Related Familial Hypertrophic Cardiomyopathy; Familial hypertrophic cardiomyopathy 1. Identifiers: MedGen C3495498, MONDO:0008647, OMIM 192600.

Submission:

Labcorp Genetics (formerly Invitae), Labcorp
Classification: Uncertain significance for Hypertrophic cardiomyopathy 1. Last evaluated: 2024-07-25. Review status: criteria provided, single submitter. Criteria: Invitae Variant Classification Sherloc (09022015). Collection method: clinical testing. Allele origin: germline.
Comment: This sequence change replaces threonine, which is neutral and polar, with isoleucine, which is neutral and non-polar, at codon 106 of the MYLK2 protein (p.Thr106Ile). This variant is not present in population databases (gnomAD no frequency). This variant has not been reported in the literature in individuals affected with MYLK2-related conditions. Advanced modeling of protein sequence and biophysical properties (such as structural, functional, and spatial information, amino acid conservation, physicochemical variation, residue mobility, and thermodynamic stability) performed at Invitae indicates that this missense variant is not expected to disrupt MYLK2 protein function with a negative predictive value of 80%. In summary, the available evidence is currently insufficient to determine the role of this variant in disease. Therefore, it has been classified as a Variant of Uncertain Significance.

NM_033118.4(MYLK2):c.317C>T (p.Thr106Ile)

Gene: MYLK2 (myosin light chain kinase 2; plus strand). Cytogenetic location: 20q11.21.
Variant type: single nucleotide variant.
Coding change: c.317C>T on transcript NM_033118.4 (MANE Select); coding-DNA position 317, C replaced by T.
Protein change: p.Thr106Ile; replaces threonine 106 with isoleucine.
Molecular consequence: missense variant.
Genome position (GRCh38, 1-based): chr20:31,820,390, C>T. VCF-style: chr20-31820390-C-T. GRCh37 (hg19) VCF-style: chr20-30408193-C-T.
Other names: short protein forms T106I.
Identifiers: ClinVar variation 3609263 (VCV003609263.2).